The following is an entry in ClinVar:

ClinVar aggregate classification (germline): Uncertain significance. Review status: criteria provided, multiple submitters, no conflicts (2 of 4 stars). 2 submissions from 2 submitters: Uncertain significance (2). Last evaluated 2024-05-24.

Allele frequency attached by ClinVar (database versions not stated): TOPMed 0.00001.

Submissions (2):

Genetics Laboratory, Al-Manara University for Medical Sciences
Classification: Uncertain significance. Last evaluated: 2024-05-24. Review status: criteria provided, single submitter. Criteria: ACMG Guidelines, 2015. Collection method: research. Allele origin: germline.
Comment: The HBB:c.-113A>G variant in the HBB gene (NM_000518.5), located in the promoter, has been reported in ClinVar (SCV001470511.2). Based on current evidence (PM2_Supporting, PP3), HBB:c.-113A>G is classified as a variant of uncertain significance (VUS) in the context of beta-thalassemia.

Quest Diagnostics Nichols Institute San Juan Capistrano
Classification: Uncertain significance. Last evaluated: 2020-02-25. Review status: criteria provided, single submitter. Criteria: Quest Diagnostics criteria. Collection method: clinical testing. Allele origin: unknown.

Literature cited by the submitters: PubMed 31980563 (cited by Genetics Laboratory, Al-Manara University for Medical Sciences and Quest Diagnostics Nichols Institute San Juan Capistrano).

NC_000011.10:g.5227134T>C

Genes: HBB (hemoglobin subunit beta; minus strand), LOC106099062 (HBB recombination region; plus strand), LOC107133510 (origin of replication at HBB; plus strand). Cytogenetic location: 11p15.4.
Variant type: single nucleotide variant.
Genome position: GRCh38 VCF-style: chr11-5227134-T-C. GRCh37 (hg19) VCF-style: chr11-5248364-T-C.
Identifiers: ClinVar variation 993223 (VCV000993223.3), dbSNP rs1354742084, ClinGen allele CA677538281.